The following is an entry in ClinVar:

NM_005529.7(HSPG2):c.1297G>A (p.Val433Ile)

Gene: HSPG2 (heparan sulfate proteoglycan 2; minus strand). Cytogenetic location: 1p36.12.
Variant type: single nucleotide variant.
Coding change: c.1297G>A on transcript NM_005529.7 (MANE Select); coding-DNA position 1297, G replaced by A.
Protein change: p.Val433Ile; replaces valine 433 with isoleucine.
Molecular consequence: missense variant.
Genome position (GRCh38, 1-based): chr1:21,885,071, C>T on the plus strand (G>A on the coding strand, the complement: HSPG2 is on the minus strand). VCF-style: chr1-21885071-C-T. GRCh37 (hg19) VCF-style: chr1-22211564-C-T.
Other names: c.1297G>A, p.Val433Ile (NM_001291860.2); short protein forms V433I.
Identifiers: ClinVar variation 2985354 (VCV002985354.2), dbSNP rs768633308, ClinGen allele CA673490.
Genomic context (GRCh38, chr1:21,885,071, plus strand): 5'-ACCTGGGATGAGAGGGGATGTGGCCCCAGTTGAGCCTCCAATTGATGATGGGGGTGGGGA[C>T]GCCAATGGCCACGCAGGTGAAGGTCACTGTCTGGCCCCGGGAAGCCTGGATGGACTCCCG-3'
Protein context (NP_005520.4, residues 423-443): TVTFTCVAIG[Val433Ile]PTPIINWRLN

ClinVar aggregate classification (germline): Uncertain significance (1 of 4 stars; one submission).

Allele frequency attached by ClinVar (database versions not stated): gnomAD 0.00001; gnomAD exomes 0.00001; ExAC 0.00002.
gnomAD v4.1: 20 of 1,613,672 alleles (0.0012%); highest among the groups gnomAD compares: Admixed American, 0.0033%; no homozygotes.

Submission:

Labcorp Genetics (formerly Invitae), Labcorp
Classification: Uncertain significance. Last evaluated: 2023-05-01. Review status: criteria provided, single submitter. Criteria: Invitae Variant Classification Sherloc (09022015). Collection method: clinical testing. Allele origin: germline.
Comment: An algorithm developed to predict the effect of missense changes on protein structure and function (PolyPhen-2) suggests that this variant is likely to be disruptive. This sequence change replaces valine, which is neutral and non-polar, with isoleucine, which is neutral and non-polar, at codon 433 of the HSPG2 protein (p.Val433Ile). This variant is present in population databases (rs768633308, gnomAD 0.006%). This variant has not been reported in the literature in individuals affected with HSPG2-related conditions. In summary, the available evidence is currently insufficient to determine the role of this variant in disease. Therefore, it has been classified as a Variant of Uncertain Significance.